The following is an entry in ClinVar:

NM_006383.4(CIB2):c.198+3A>G

Gene: CIB2 (calcium and integrin binding family member 2; minus strand). Cytogenetic location: 15q25.1.
Variant type: single nucleotide variant.
Coding change: c.198+3A>G on transcript NM_006383.4 (MANE Select); 3 bases into the intron after coding-DNA position 198, A replaced by G.
Molecular consequence: intron variant.
Genome position (GRCh38, 1-based): chr15:78,111,162, T>C on the plus strand (A>G on the coding strand, the complement: CIB2 is on the minus strand). VCF-style: chr15-78111162-T-C. GRCh37 (hg19) VCF-style: chr15-78403504-T-C.
Other names: c.52-1780A>G (NM_001271889.2); c.69+3A>G (NM_001271888.2); c.87-1653A>G (NM_001301224.2).
Identifiers: ClinVar variation 855005 (VCV000855005.9), dbSNP rs777662280, ClinGen allele CA7680310.

ClinVar aggregate classification (germline): Uncertain significance. Review status: criteria provided, multiple submitters, no conflicts (2 of 4 stars). 2 submissions from 2 submitters: Uncertain significance (2). Last evaluated 2024-04-11.

Allele frequency attached by ClinVar (database versions not stated): ExAC 0.00001; TOPMed 0.00001; gnomAD exomes 0.00002 and 0.00003; gnomAD 0.00003 and 0.00004.
gnomAD v4.1: 51 of 1,613,182 alleles (0.0032%); highest among the groups gnomAD compares: Non-Finnish European, 0.0023%; no homozygotes.

Submissions (2):

Blueprint Genetics
Classification: Uncertain significance. Last evaluated: 2024-04-11. Review status: criteria provided, single submitter. Criteria: ACMG Guidelines, 2015. Collection method: clinical testing. Allele origin: germline.

Labcorp Genetics (formerly Invitae), Labcorp
Classification: Uncertain significance. Last evaluated: 2022-07-14. Review status: criteria provided, single submitter. Criteria: Invitae Variant Classification Sherloc (09022015). Collection method: clinical testing. Allele origin: germline.
Comment: This variant has not been reported in the literature in individuals affected with CIB2-related conditions. This sequence change falls in intron 3 of the CIB2 gene. It does not directly change the encoded amino acid sequence of the CIB2 protein. It affects a nucleotide within the consensus splice site. This variant is present in population databases (rs777662280, gnomAD 0.01%). ClinVar contains an entry for this variant (Variation ID: 855005). Variants that disrupt the consensus splice site are a relatively common cause of aberrant splicing (PMID: 17576681, 9536098). Algorithms developed to predict the effect of sequence changes on RNA splicing suggest that this variant is not likely to affect RNA splicing. In summary, the available evidence is currently insufficient to determine the role of this variant in disease. Therefore, it has been classified as a Variant of Uncertain Significance.

Literature cited by the submitters: PubMed 17576681 (cited by Labcorp Genetics (formerly Invitae), Labcorp); PubMed 9536098 (cited by Labcorp Genetics (formerly Invitae), Labcorp).